The following is an entry in ClinVar:

NM_000179.3(MSH6):c.3229C>G (p.Pro1077Ala)

Gene: MSH6 (mutS homolog 6; plus strand). Cytogenetic location: 2p16.3.
Variant type: single nucleotide variant.
Coding change: c.3229C>G on transcript NM_000179.3 (MANE Select); coding-DNA position 3229, C replaced by G.
Protein change: p.Pro1077Ala; replaces proline 1077 with alanine.
Molecular consequence: missense variant.
Genome position (GRCh38, 1-based): chr2:47,803,476, C>G. VCF-style: chr2-47803476-C-G. GRCh37 (hg19) VCF-style: chr2-48030615-C-G.
Other names: c.2839C>G, p.Pro947Ala (NM_001281492.2); c.2323C>G, p.Pro775Ala (NM_001281493.2, NM_001281494.2); short protein forms P1077A, P775A, P947A.
Identifiers: ClinVar variation 1692256 (VCV001692256.1), dbSNP rs1669737200, ClinGen allele CA346758037.

ClinVar aggregate classification (germline): Uncertain significance (1 of 4 stars; one submission).

Conditions:
Hereditary cancer-predisposing syndrome. Also called: Hereditary Cancer Syndrome; Hereditary neoplastic syndrome; Neoplastic Syndromes, Hereditary; Tumor predisposition. Identifiers: Orphanet 140162, MedGen C0027672, MeSH D009386, MONDO:0015356.

Submission:

Sema4
Classification: Uncertain significance for Hereditary cancer-predisposing syndrome. Last evaluated: 2021-08-17. Review status: criteria provided, single submitter. Criteria: Sema4 Curation Guidelines. Collection method: curation. Allele origin: germline.
Comment: To the best of our knowledge, the MSH6 c.3229C>G (p.P1077A) variant has not been reported in individuals with MSH6-related disease. This variant is not reported in the population database Genome Aggregation Database (PMID: 32461654). The variant has not been reported in ClinVar. In silico tools suggest the impact of the variant on protein function is deleterious, though these predictions have not been confirmed by functional studies. The evidence is insufficient to meet ACMG/AMP criteria for classifying the variant as benign or pathogenic. Thus, the clinical significance of this variant is currently uncertain.